The following is an entry in ClinVar:

NM_017433.5(MYO3A):c.508+2T>C

Gene: MYO3A (myosin IIIA; plus strand). Cytogenetic location: 10p12.1.
Variant type: single nucleotide variant.
Coding change: c.508+2T>C on transcript NM_017433.5 (MANE Select); the canonical splice donor site of the intron after coding-DNA position 508, T replaced by C.
Molecular consequence: splice donor variant.
Genome position (GRCh38, 1-based): chr10:25,997,260, T>C. VCF-style: chr10-25997260-T-C. GRCh37 (hg19) VCF-style: chr10-26286189-T-C.
Other names: c.508+2T>C (NM_001368265.1).
Identifiers: ClinVar variation 2031128 (VCV002031128.5), dbSNP rs1840513520, ClinGen allele CA376332448.

ClinVar aggregate classification (germline): Likely pathogenic. Review status: criteria provided, multiple submitters, no conflicts (2 of 4 stars). 2 submissions from 2 submitters: Likely pathogenic (2). Last evaluated 2022-11-04.

Conditions:
MYO3A-related disorder. Also called: MYO3A-related condition.

gnomAD v4.1: 2 of 1,601,252 alleles (0.00012%); highest among the groups gnomAD compares: South Asian, 0.0011%; no homozygotes.

Submissions (2):

Labcorp Genetics (formerly Invitae), Labcorp
Classification: Likely pathogenic. Last evaluated: 2022-11-04. Review status: criteria provided, single submitter. Criteria: Invitae Variant Classification Sherloc (09022015). Collection method: clinical testing. Allele origin: germline.
Comment: In summary, the currently available evidence indicates that the variant is pathogenic, but additional data are needed to prove that conclusively. Therefore, this variant has been classified as Likely Pathogenic. Algorithms developed to predict the effect of sequence changes on RNA splicing suggest that this variant may disrupt the consensus splice site. This variant has not been reported in the literature in individuals affected with MYO3A-related conditions. This variant is not present in population databases (gnomAD no frequency). This sequence change affects a donor splice site in intron 6 of the MYO3A gene. It is expected to disrupt RNA splicing. Variants that disrupt the donor or acceptor splice site typically lead to a loss of protein function (PMID: 16199547), and loss-of-function variants in MYO3A are known to be pathogenic (PMID: 12032315, 23990876).

Blueprint Genetics
Classification: Likely pathogenic for MYO3A-related disorders. Last evaluated: 2021-12-23. Review status: criteria provided, single submitter. Criteria: ACMG Guidelines, 2015. Collection method: clinical testing. Allele origin: germline. Affected: yes. Observed: 3 variant alleles.

Literature cited by the submitters: PubMed 16199547 (cited by Labcorp Genetics (formerly Invitae), Labcorp); PubMed 12032315 (cited by Labcorp Genetics (formerly Invitae), Labcorp); PubMed 23990876 (cited by Labcorp Genetics (formerly Invitae), Labcorp).